The following is an entry in ClinVar:

ClinVar aggregate classification (germline): Likely pathogenic (0 of 4 stars; one submission).

Conditions:
Neurodevelopmental disorder with regression, abnormal movements, loss of speech, and seizures. Identifiers: Orphanet 597623, MedGen C4748127, MONDO:0060759, OMIM 618088.

Submission:

Hong-Tao Li Lab, Institute of Brain Science and Brain-inspired Research, Shandong First Medical University & Shandong Academy of Medical Sciences China
Classification: Likely pathogenic for Neurodevelopmental disorder with regression, abnormal movements, loss of speech, and seizures. Review status: no assertion criteria provided. Collection method: research. Allele origin: germline. Inheritance: Autosomal dominant inheritance. Affected: yes. Observed: 1 variant allele, 1 heterozygote.
Comment: Observed in affected individuals from a Pakistani neurodevelopmental-disorder research cohort of 263 individuals. Classification assigned using the ACMG/AMP framework. Population-frequency evidence: gnomAD AF 0.000121.

NM_024496.4(IRF2BPL):c.339_348delinsA (p.Gln125_Gln127del)

Gene: IRF2BPL (interferon regulatory factor 2 binding protein like; minus strand). Cytogenetic location: 14q24.3.
Variant type: Indel.
Coding change: c.339_348delinsA on transcript NM_024496.4 (MANE Select); coding-DNA positions 339 to 348, GCAACAGCAG replaced by A.
Protein change: p.Gln125_Gln127del.
Molecular consequence: inframe deletion.
Genome position (GRCh38, 1-based): chr14:77,027,445-77,027,454, CTGCTGTTGC replaced by T on the plus strand (GCAACAGCAG replaced by A on the coding strand, the reverse complement: IRF2BPL is on the minus strand). VCF-style: chr14-77027445-CTGCTGTTGC-T. GRCh37 (hg19) VCF-style: chr14-77493788-CTGCTGTTGC-T.
Identifiers: ClinVar variation 4884821 (VCV004884821.1).